The following is an entry in ClinVar:

NM_000180.4(GUCY2D):c.325G>T (p.Gly109Cys)

Gene: GUCY2D (guanylate cyclase 2D, retinal; plus strand). Cytogenetic location: 17p13.1.
Variant type: single nucleotide variant.
Coding change: c.325G>T on transcript NM_000180.4 (MANE Select); coding-DNA position 325, G replaced by T.
Protein change: p.Gly109Cys; replaces glycine 109 with cysteine.
Molecular consequence: missense variant.
Genome position (GRCh38, 1-based): chr17:8,003,372, G>T. VCF-style: chr17-8003372-G-T. GRCh37 (hg19) VCF-style: chr17-7906690-G-T.
Other names: short protein forms G109C.
Identifiers: ClinVar variation 2075983 (VCV002075983.4), dbSNP rs1218251686, ClinGen allele CA397943194.

ClinVar aggregate classification (germline): Uncertain significance (1 of 4 stars; one submission).

Conditions:
Cone-rod dystrophy 6 (CORD6). Also called: RETINAL CONE DYSTROPHY 2; Cone dystrophy progressive. Identifiers: Orphanet 1872, MedGen C1866293, MONDO:0011143, OMIM 601777.
Leber congenital amaurosis 1 (LCA1). Also called: AMAUROSIS CONGENITA OF LEBER I; RETINAL BLINDNESS, CONGENITAL; Congenital absence of the rods and cones; Leber's congenital tapetoretinal degeneration; Leber's congenital tapetoretinal dysplasia. Identifiers: Orphanet 65, MedGen C2931258, MONDO:0008764, OMIM 204000.

Submission:

Labcorp Genetics (formerly Invitae), Labcorp
Classification: Uncertain significance for Leber congenital amaurosis 1; Cone-rod dystrophy 6. Last evaluated: 2025-11-20. Review status: criteria provided, single submitter. Criteria: Invitae Variant Classification Sherloc (09022015). Collection method: clinical testing. Allele origin: germline.
Comment: This sequence change replaces glycine, which is neutral and non-polar, with cysteine, which is neutral and slightly polar, at codon 109 of the GUCY2D protein (p.Gly109Cys). This variant is not present in population databases (gnomAD no frequency). This variant has not been reported in the literature in individuals affected with GUCY2D-related conditions. ClinVar contains an entry for this variant (Variation ID: 2075983). Invitae Evidence Modeling of protein sequence and biophysical properties (such as structural, functional, and spatial information, amino acid conservation, physicochemical variation, residue mobility, and thermodynamic stability) indicates that this missense variant is not expected to disrupt GUCY2D protein function with a negative predictive value of 80%. In summary, the available evidence is currently insufficient to determine the role of this variant in disease. Therefore, it has been classified as a Variant of Uncertain Significance.